The following is an entry in ClinVar:

ClinVar aggregate classification (germline): Pathogenic (1 of 4 stars; one submission).

Conditions:
Periodontitis, aggressive. Identifiers: MedGen C0031106, MONDO:0980757.
Papillon-Lefèvre syndrome (PALS). Also called: KERATOSIS PALMOPLANTARIS WITH PERIODONTOPATHIA; Papillon-Lefevre Disease. Identifiers: Orphanet 678, MedGen C0030360, MONDO:0009490, OMIM 245000.
Haim-Munk syndrome (HMS). Also called: COCHIN JEWISH DISORDER; KERATOSIS PALMOPLANTARIS WITH PERIODONTOPATHIA AND ONYCHOGRYPOSIS. Identifiers: Orphanet 2342, MedGen C1855627, MONDO:0009491, OMIM 245010.

Submission:

Labcorp Genetics (formerly Invitae), Labcorp
Classification: Pathogenic for Haim-Munk syndrome; Periodontitis, aggressive; Papillon-Lefèvre syndrome. Last evaluated: 2023-03-07. Review status: criteria provided, single submitter. Criteria: Invitae Variant Classification Sherloc (09022015). Collection method: clinical testing. Allele origin: germline.
Comment: For these reasons, this variant has been classified as Pathogenic. This variant disrupts a region of the CTSC protein in which other variant(s) (p.Leu196Pro) have been determined to be pathogenic (PMID: 11922261, 15727652). This suggests that this is a clinically significant region of the protein, and that variants that disrupt it are likely to be disease-causing. This variant has not been reported in the literature in individuals affected with CTSC-related conditions. This variant results in the deletion of part of exon 4 (c.574_641+1370del) of the CTSC gene. It is expected to disrupt RNA splicing. Variants that disrupt the donor or acceptor splice site typically lead to a loss of protein function (PMID: 16199547), and loss-of-function variants in CTSC are known to be pathogenic (PMID: 10662808, 11106356, 11886537).

Literature cited by the submitters: PubMed 11922261; PubMed 15727652; PubMed 16199547; PubMed 10662808; PubMed 11106356; PubMed 11886537.

NC_000011.9:g.(?_88040961)_(88042398_?)del

Gene: CTSC (cathepsin C; minus strand). Cytogenetic location: 11q14.2.
Variant type: Deletion.
Identifiers: ClinVar variation 1506173 (VCV001506173.4).